The following is an entry in ClinVar:

NM_001009999.3(KDM1A):c.1981G>C (p.Val661Leu)

Gene: KDM1A (lysine demethylase 1A; plus strand). Cytogenetic location: 1p36.12.
Variant type: single nucleotide variant.
Coding change: c.1981G>C on transcript NM_001009999.3 (MANE Select); coding-DNA position 1981, G replaced by C.
Protein change: p.Val661Leu; replaces valine 661 with leucine.
Molecular consequence: missense variant.
Genome position (GRCh38, 1-based): chr1:23,079,103, G>C. VCF-style: chr1-23079103-G-C. GRCh37 (hg19) VCF-style: chr1-23405596-G-C.
Other names: c.1927G>C, p.Val643Leu (NM_001363654.2); c.1987G>C, p.Val663Leu (NM_001410762.1); c.1909G>C, p.Val637Leu (NM_001410763.1, NM_015013.4); short protein forms V637L, V643L, V661L, V663L.
Identifiers: ClinVar variation 4858689 (VCV004858689.1).

ClinVar aggregate classification (germline): Uncertain significance (1 of 4 stars; one submission).

Conditions:
Inborn genetic diseases. Identifiers: MedGen C0950123, MeSH D030342.

Submission:

Ambry Genetics
Classification: Uncertain significance for Inborn genetic diseases. Last evaluated: 2026-03-20. Review status: criteria provided, single submitter. Criteria: Ambry Variant Classification Scheme 2023. Collection method: clinical testing. Allele origin: germline.
Comment: The p.V661L variant (also known as c.1981G>C), located in coding exon 17 of the KDM1A gene, results from a G to C substitution at nucleotide position 1981. The valine at codon 661 is replaced by leucine, an amino acid with highly similar properties. This amino acid position is conserved. In addition, this alteration is predicted to be deleterious by in silico analysis. Based on the available evidence, the clinical significance of this variant remains unclear.